The following is an entry in ClinVar:

ClinVar aggregate classification (germline): Uncertain significance (1 of 4 stars; one submission).

gnomAD v4.1: 3 of 1,598,890 alleles (0.00019%); highest among the groups gnomAD compares: Non-Finnish European, 0.00026%; no homozygotes.

Submission:

GeneDx
Classification: Uncertain significance. Last evaluated: 2025-07-03. Review status: criteria provided, single submitter. Criteria: GeneDx Variant Classification Process June 2021. Collection method: clinical testing. Allele origin: germline. Affected: yes.
Comment: Not observed at significant frequency in large population cohorts (gnomAD); In silico analysis supports that this missense variant has a deleterious effect on protein structure/function; Has not been previously published as pathogenic or benign to our knowledge

NM_005908.4(MANBA):c.974C>T (p.Thr325Ile)

Gene: MANBA (mannosidase beta; minus strand). Cytogenetic location: 4q24.
Variant type: single nucleotide variant.
Coding change: c.974C>T on transcript NM_005908.4 (MANE Select); coding-DNA position 974, C replaced by T.
Protein change: p.Thr325Ile; replaces threonine 325 with isoleucine.
Molecular consequence: missense variant.
Genome position (GRCh38, 1-based): chr4:102,674,057, G>A on the plus strand (C>T on the coding strand, the complement: MANBA is on the minus strand). VCF-style: chr4-102674057-G-A. GRCh37 (hg19) VCF-style: chr4-103595214-G-A.
Other names: short protein forms T325I.
Identifiers: ClinVar variation 4681006 (VCV004681006.1).
Genomic context (GRCh38, chr4:102,674,057, plus strand): 5'-ATTTTGAAATAGAAACTCAAACCAGGAGACCCTTTTATAGGCTCTTCTATAAGTTCCACT[G>A]TCCTAAAATAAACCTGCAATGAACAGAATTAAATGATGAATATCAAATTTAAACATAAGC-3'
Protein context (NP_005899.3, residues 315-335): IEKSAKVYFR[Thr325Ile]VELIEEPIKG